The following is an entry in ClinVar:

NM_004523.4(KIF11):c.1047A>G (p.Thr349=)

Gene: KIF11 (kinesin family member 11; plus strand). Cytogenetic location: 10q23.33.
Variant type: single nucleotide variant.
Coding change: c.1047A>G on transcript NM_004523.4 (MANE Select); coding-DNA position 1047, A replaced by G.
Protein change: p.Thr349=; no amino-acid change (threonine 349 retained).
Molecular consequence: synonymous variant.
Genome position (GRCh38, 1-based): chr10:92,616,751, A>G. VCF-style: chr10-92616751-A-G. GRCh37 (hg19) VCF-style: chr10-94376508-A-G.
Other names: c.1047A>G (NM_004523.3).
Identifiers: ClinVar variation 1942984 (VCV001942984.6), dbSNP rs920118364, ClinGen allele CA211503031.

ClinVar aggregate classification (germline): Benign/Likely benign. Review status: criteria provided, multiple submitters, no conflicts (2 of 4 stars). 2 submissions from 2 submitters: Benign (1); Likely benign (1). Last evaluated 2025-12-15.

Conditions:
KIF11-related disorder. Also called: KIF11-related condition.

Allele frequency attached by ClinVar (database versions not stated): gnomAD exomes below 0.00001; gnomAD 0.00003; TOPMed 0.00005.
gnomAD v4.1: 7 of 1,596,016 alleles (0.00044%); highest among the groups gnomAD compares: African/African-American, 0.0094%; no homozygotes.

Submissions (2):

Labcorp Genetics (formerly Invitae), Labcorp
Classification: Benign. Last evaluated: 2025-12-15. Review status: criteria provided, single submitter. Criteria: Invitae Variant Classification Sherloc (09022015). Collection method: clinical testing. Allele origin: germline.

PreventionGenetics, part of Exact Sciences
Classification: Likely benign for KIF11-related condition. Last evaluated: 2025-02-05. Review status: criteria provided, single submitter. Criteria: ACMG Guidelines, 2015. Collection method: clinical testing. Allele origin: germline.
Comment: This variant is classified as likely benign based on ACMG/AMP sequence variant interpretation guidelines (Richards et al. 2015 PMID: 25741868, with internal and published modifications).